The following is an entry in ClinVar:

ClinVar aggregate classification (germline): Uncertain significance. Review status: criteria provided, multiple submitters, no conflicts (2 of 4 stars). 2 submissions from 2 submitters: Uncertain significance (2). Last evaluated 2025-10-13.

Conditions:
DICER1-related tumor predisposition. Also called: DICER1-related pleuropulmonary blastoma cancer predisposition syndrome; DICER1 syndrome. Identifiers: Orphanet 284343, MedGen C3839822, MONDO:0100216.
Hereditary cancer-predisposing syndrome. Also called: Neoplastic Syndromes, Hereditary; Tumor predisposition; Hereditary Cancer Syndrome; Hereditary neoplastic syndrome. Identifiers: Orphanet 140162, MedGen C0027672, MeSH D009386, MONDO:0015356.

Allele frequency attached by ClinVar (database versions not stated): gnomAD exomes below 0.00001.

Submissions (2):

Labcorp Genetics (formerly Invitae), Labcorp
Classification: Uncertain significance for DICER1-related tumor predisposition. Last evaluated: 2025-10-13. Review status: criteria provided, single submitter. Criteria: Invitae Variant Classification Sherloc (09022015). Collection method: clinical testing. Allele origin: germline.
Comment: This sequence change replaces aspartic acid, which is acidic and polar, with glutamic acid, which is acidic and polar, at codon 1400 of the DICER1 protein (p.Asp1400Glu). This variant is present in population databases (no rsID available, gnomAD 0.0009%). This variant has not been reported in the literature in individuals affected with DICER1-related conditions. ClinVar contains an entry for this variant (Variation ID: 543584). Invitae Evidence Modeling of protein sequence and biophysical properties (such as structural, functional, and spatial information, amino acid conservation, physicochemical variation, residue mobility, and thermodynamic stability) indicates that this missense variant is not expected to disrupt DICER1 protein function with a negative predictive value of 95%. In summary, the available evidence is currently insufficient to determine the role of this variant in disease. Therefore, it has been classified as a Variant of Uncertain Significance.

Ambry Genetics
Classification: Uncertain significance for Hereditary cancer-predisposing syndrome. Last evaluated: 2024-11-19. Review status: criteria provided, single submitter. Criteria: Ambry Variant Classification Scheme 2023. Collection method: clinical testing. Allele origin: germline.
Comment: The p.D1400E variant (also known as c.4200T>A), located in coding exon 21 of the DICER1 gene, results from a T to A substitution at nucleotide position 4200. The aspartic acid at codon 1400 is replaced by glutamic acid, an amino acid with highly similar properties. This amino acid position is well conserved in available vertebrate species. In addition, this alteration is predicted to be tolerated by in silico analysis. Based on the available evidence, the clinical significance of this variant remains unclear.

NM_177438.3(DICER1):c.4200T>A (p.Asp1400Glu)

Gene: DICER1 (dicer 1, ribonuclease III; minus strand). Cytogenetic location: 14q32.13.
Variant type: single nucleotide variant.
Coding change: c.4200T>A on transcript NM_177438.3 (MANE Select); coding-DNA position 4200, T replaced by A.
Protein change: p.Asp1400Glu; replaces aspartic acid 1400 with glutamic acid.
Molecular consequence: missense variant.
Genome position (GRCh38, 1-based): chr14:95,099,786, A>T on the plus strand (T>A on the coding strand, the complement: DICER1 is on the minus strand). VCF-style: chr14-95099786-A-T. GRCh37 (hg19) VCF-style: chr14-95566123-A-T.
Other names: c.4200T>A, p.Asp1400Glu (NM_001195573.1, NM_001271282.3, NM_001291628.2 and 1 more transcripts); short protein forms D1400E.
Identifiers: ClinVar variation 543584 (VCV000543584.15), dbSNP rs941973586, ClinGen allele CA265900626.